The following is an entry in ClinVar:

NM_001173990.3(TMEM216):c.217C>T (p.Arg73Cys)

Gene: TMEM216 (transmembrane protein 216; plus strand). Cytogenetic location: 11q12.2.
Variant type: single nucleotide variant.
Coding change: c.217C>T on transcript NM_001173990.3 (MANE Select); coding-DNA position 217, C replaced by T.
Protein change: p.Arg73Cys; replaces arginine 73 with cysteine.
Molecular consequence: missense variant.
Genome position (GRCh38, 1-based): chr11:61,393,964, C>T. VCF-style: chr11-61393964-C-T. GRCh37 (hg19) VCF-style: chr11-61161436-C-T.
Other names: c.217C>T, p.Arg73Cys (NM_001173991.3); c.34C>T, p.Arg12Cys (NM_001330285.2, NM_016499.6); short protein forms R12C, R73C.
Identifiers: ClinVar variation 217705 (VCV000217705.40), dbSNP rs779526456, ClinGen allele CA277803.

ClinVar aggregate classification (germline): Conflicting classifications of pathogenicity. Review status: criteria provided, conflicting classifications (1 of 4 stars). 8 submissions from 8 submitters: Pathogenic (2); Likely pathogenic (4); Uncertain significance (2). Last evaluated 2026-06-18.

Conditions:
Ciliopathy. Also called: Ciliopathies. Identifiers: Orphanet 363250, MedGen C4277690, MONDO:0005308, MeSH D000072661.
Joubert syndrome 2 (JBTS2). Also called: CEREBELLOOCULORENAL SYNDROME 2. Identifiers: Orphanet 2318, MedGen C1842577, MONDO:0011963, OMIM 608091.
Abnormality of the nervous system. Also called: Congenital nervous system disorder. Identifiers: MedGen C0497552, MONDO:0002320, HP:0000707.
Joubert syndrome. Also called: Familial aplasia of the vermis; JOUBERT-BOLTSHAUSER SYNDROME. Identifiers: Orphanet 475, MedGen C5979921, MONDO:0018772.

Allele frequency attached by ClinVar (database versions not stated): gnomAD exomes 0.00001; TOPMed 0.00001; ExAC 0.00002.
gnomAD v4.1: 17 of 1,613,902 alleles (0.0011%); highest among the groups gnomAD compares: Admixed American, 0.0017%; no homozygotes.

Submissions (8):

Myriad Genetics, Inc.
Classification: Uncertain significance for Ciliopathy. Last evaluated: 2026-06-18. Review status: criteria provided, single submitter. Criteria: Myriad Autosomal Dominant, Autosomal Recessive and X-Linked Classification Criteria (2023). Collection method: clinical testing. Allele origin: unknown.
Comment: NM_001173990.2(TMEM216):c.217C>T(R73C) is a missense variant classified as a variant of uncertain significance in the context of Joubert syndrome 2. R73C has been observed in cases with relevant disease (PMID: 20512146, 26092869, 38374194). Relevant functional assessments of this variant are available in the literature (PMID: 20512146). R73C has been observed in referenced population frequency databases. In summary, there is insufficient evidence to classify NM_001173990.2(TMEM216):c.217C>T(R73C) as pathogenic or benign. Please note: this variant was assessed in the context of healthy population screening.

Labcorp Genetics (formerly Invitae), Labcorp
Classification: Pathogenic for Joubert syndrome. Last evaluated: 2026-01-25. Review status: criteria provided, single submitter. Criteria: Invitae Variant Classification Sherloc (09022015). Collection method: clinical testing. Allele origin: germline.
Comment: This sequence change replaces arginine, which is basic and polar, with cysteine, which is neutral and slightly polar, at codon 73 of the TMEM216 protein (p.Arg73Cys). This variant is present in population databases (rs779526456, gnomAD 0.003%). This missense change has been observed in individual(s) with Joubert syndrome or Meckel syndrome (PMID: 20512146, 26092869). ClinVar contains an entry for this variant (Variation ID: 217705). An algorithm developed to predict the effect of missense changes on protein structure and function (PolyPhen-2) suggests that this variant is likely to be disruptive. Experimental studies have shown that this missense change affects TMEM216 function (PMID: 20512146). This variant disrupts the p.Arg73 amino acid residue in TMEM216. Other variant(s) that disrupt this residue have been determined to be pathogenic (PMID: 20036350, 20512146, 26092869, 26673778). This suggests that this residue is clinically significant, and that variants that disrupt this residue are likely to be disease-causing. For these reasons, this variant has been classified as Pathogenic.

Natera, Inc.
Classification: Likely pathogenic for Joubert syndrome type 2. Last evaluated: 2025-08-18. Review status: criteria provided, single submitter. Criteria: Natera Variant Classification Schema (03/2026). Collection method: clinical testing. Allele origin: germline.
Comment: The c.217C>T variant in TMEM216 is a missense variant predicted to cause substitution of arginine to cysteine at amino acid 73. This variant is rare in the general population with a frequency below the threshold expected for the associated phenotype(s). This variant has been observed in one or more individuals affected with the associated recessive disease, as either homozygous or compound heterozygous with a second variant (PMID: 20512146, 26092869). A different variant at the same position has been determined to be Pathogenic or Likely Pathogenic. Computational prediction algorithms indicate this variant is likely to affect gene or protein function. Given the available evidence, this variant is classified as Likely Pathogenic.

Baylor Genetics
Classification: Likely pathogenic for Joubert syndrome 2. Last evaluated: 2023-12-29. Review status: criteria provided, single submitter. Criteria: ACMG Guidelines, 2015. Collection method: clinical testing. Allele origin: unknown.

Kariminejad - Najmabadi Pathology & Genetics Center
Classification: Likely pathogenic for Abnormality of the nervous system. Last evaluated: 2021-07-10. Review status: criteria provided, single submitter. Criteria: ACMG Guidelines, 2015. Collection method: clinical testing. Allele origin: germline. Affected: yes.

Revvity Omics, Revvity
Classification: Likely pathogenic. Last evaluated: 2021-01-29. Review status: criteria provided, single submitter. Criteria: ACMG Guidelines, 2015. Collection method: clinical testing. Allele origin: germline.

Eurofins Ntd Llc (ga)
Classification: Uncertain significance. Last evaluated: 2016-12-27. Review status: criteria provided, single submitter. Criteria: EGL Classification Definitions 2015. Collection method: clinical testing. Allele origin: germline. Observed: 1 variant allele, 1 heterozygote.

UW Hindbrain Malformation Research Program, University of Washington
Classification: Pathogenic for Joubert syndrome 2. Last evaluated: 2015-02-23. Review status: criteria provided, single submitter. Criteria: Bachmann-Gagescu et al. (J Med Genet. 2015). Collection method: research. Allele origin: unknown. Affected: yes.

Literature cited by the submitters: PubMed 20512146 (cited by 3 submitters); PubMed 26092869 (cited by 3 submitters); PubMed 38374194 (cited by Myriad Genetics, Inc.); PubMed 20036350 (cited by Labcorp Genetics (formerly Invitae), Labcorp); PubMed 26673778 (cited by Labcorp Genetics (formerly Invitae), Labcorp).